The following is an entry in ClinVar:

ClinVar aggregate classification (germline): Uncertain significance (1 of 4 stars; one submission).

Submission:

Labcorp Genetics (formerly Invitae), Labcorp
Classification: Uncertain significance. Last evaluated: 2024-06-01. Review status: criteria provided, single submitter. Criteria: Invitae Variant Classification Sherloc (09022015). Collection method: clinical testing. Allele origin: germline.
Comment: This sequence change replaces arginine, which is basic and polar, with cysteine, which is neutral and slightly polar, at codon 995 of the NALCN protein (p.Arg995Cys). This variant is present in population databases (rs765168512, gnomAD 0.006%). This variant has not been reported in the literature in individuals affected with NALCN-related conditions. Advanced modeling of protein sequence and biophysical properties (such as structural, functional, and spatial information, amino acid conservation, physicochemical variation, residue mobility, and thermodynamic stability) performed at Invitae indicates that this missense variant is expected to disrupt NALCN protein function with a positive predictive value of 80%. In summary, the available evidence is currently insufficient to determine the role of this variant in disease. Therefore, it has been classified as a Variant of Uncertain Significance.

NM_052867.4(NALCN):c.2983C>T (p.Arg995Cys)

Gene: NALCN (sodium leak channel, non-selective; minus strand). Cytogenetic location: 13q33.1.
Variant type: single nucleotide variant.
Coding change: c.2983C>T on transcript NM_052867.4 (MANE Select); coding-DNA position 2983, C replaced by T.
Protein change: p.Arg995Cys; replaces arginine 995 with cysteine.
Molecular consequence: missense variant.
Genome position (GRCh38, 1-based): chr13:101,103,246, G>A on the plus strand (C>T on the coding strand, the complement: NALCN is on the minus strand). VCF-style: chr13-101103246-G-A. GRCh37 (hg19) VCF-style: chr13-101755597-G-A.
Other names: c.3070C>T, p.Arg1024Cys (NM_001350748.2); c.2983C>T, p.Arg995Cys (NM_001350749.2); c.2896C>T, p.Arg966Cys (NM_001350750.2, NM_001350751.2); short protein forms R966C, R995C, R1024C.
Identifiers: ClinVar variation 3671463 (VCV003671463.2).